The following is an entry in ClinVar:

ClinVar aggregate classification (germline): Uncertain significance (1 of 4 stars; one submission).

Submission:

Labcorp Genetics (formerly Invitae), Labcorp
Classification: Uncertain significance. Last evaluated: 2025-07-07. Review status: criteria provided, single submitter. Criteria: Invitae Variant Classification Sherloc (09022015). Collection method: clinical testing. Allele origin: germline.
Comment: This sequence change replaces serine, which is neutral and polar, with alanine, which is neutral and non-polar, at codon 260 of the CCT2 protein (p.Ser260Ala). This variant is not present in population databases (gnomAD no frequency). This variant has not been reported in the literature in individuals affected with CCT2-related conditions. ClinVar contains an entry for this variant (Variation ID: 3642321). An algorithm developed to predict the effect of missense changes on protein structure and function (PolyPhen-2) suggests that this variant is likely to be tolerated. In summary, the available evidence is currently insufficient to determine the role of this variant in disease. Therefore, it has been classified as a Variant of Uncertain Significance.

NM_006431.3(CCT2):c.778T>G (p.Ser260Ala)

Gene: CCT2 (chaperonin containing TCP1 subunit 2; plus strand). Cytogenetic location: 12q15.
Variant type: single nucleotide variant.
Coding change: c.778T>G on transcript NM_006431.3 (MANE Select); coding-DNA position 778, T replaced by G.
Protein change: p.Ser260Ala; replaces serine 260 with alanine.
Molecular consequence: missense variant.
Genome position (GRCh38, 1-based): chr12:69,593,003, T>G. VCF-style: chr12-69593003-T-G. GRCh37 (hg19) VCF-style: chr12-69986783-T-G.
Other names: c.637T>G, p.Ser213Ala (NM_001198842.2); short protein forms S260A, S213A.
Identifiers: ClinVar variation 3642321 (VCV003642321.2).